The following is an entry in ClinVar:

NM_001039660.2(IL18BP):c.64C>A (p.His22Asn)

Gene: IL18BP (interleukin 18 binding protein; plus strand). Cytogenetic location: 11q13.4.
Variant type: single nucleotide variant.
Coding change: c.64C>A on transcript NM_001039660.2 (MANE Select); coding-DNA position 64, C replaced by A.
Protein change: p.His22Asn; replaces histidine 22 with asparagine.
Molecular consequence: missense variant.
Genome position (GRCh38, 1-based): chr11:72,000,386, C>A. VCF-style: chr11-72000386-C-A. GRCh37 (hg19) VCF-style: chr11-71711432-C-A.
Other names: c.64C>A, p.His22Asn (NM_001039659.2, NM_001145055.1, NM_001145057.1 and 3 more transcripts); short protein forms H22N.
Identifiers: ClinVar variation 2039030 (VCV002039030.4), dbSNP rs762907176, ClinGen allele CA6166098.
Genomic context (GRCh38, chr11:72,000,386, plus strand): 5'-TGACCTGTAACTGTCCTTTCCTCAGACCTCAGCCCTTTGTGGGTCCTGCTCCTGTGTGCC[C>A]ACGTCGTCACTCTCCTGGTCAGAGCCACACCTGTCTCGCAGACCACCACAGCTGCCACTG-3'
Protein context (NP_001034749.1, residues 12-32): SPLWVLLLCA[His22Asn]VVTLLVRATP

ClinVar aggregate classification (germline): Uncertain significance (1 of 4 stars; one submission).

Allele frequency attached by ClinVar (database versions not stated): ExAC 0.00002; gnomAD 0.00001; TOPMed 0.00001.
gnomAD v4.1: 9 of 1,613,902 alleles (0.00056%); highest among the groups gnomAD compares: Non-Finnish European, 0.00068%; no homozygotes.

Submission:

Labcorp Genetics (formerly Invitae), Labcorp
Classification: Uncertain significance. Last evaluated: 2026-01-18. Review status: criteria provided, single submitter. Criteria: Invitae Variant Classification Sherloc (09022015). Collection method: clinical testing. Allele origin: germline.
Comment: This sequence change replaces histidine, which is basic and polar, with asparagine, which is neutral and polar, at codon 22 of the IL18BP protein (p.His22Asn). This variant is present in population databases (rs762907176, gnomAD 0.003%). This variant has not been reported in the literature in individuals affected with IL18BP-related conditions. ClinVar contains an entry for this variant (Variation ID: 2039030). An algorithm developed to predict the effect of missense changes on protein structure and function (PolyPhen-2) suggests that this variant is likely to be tolerated. In summary, the available evidence is currently insufficient to determine the role of this variant in disease. Therefore, it has been classified as a Variant of Uncertain Significance.